The following is an entry in ClinVar:

NM_000090.4(COL3A1):c.2499A>T (p.Lys833Asn)

Gene: COL3A1 (collagen type III alpha 1 chain; plus strand). Cytogenetic location: 2q32.2.
Variant type: single nucleotide variant.
Coding change: c.2499A>T on transcript NM_000090.4 (MANE Select); coding-DNA position 2499, A replaced by T.
Protein change: p.Lys833Asn; replaces lysine 833 with asparagine.
Molecular consequence: missense variant.
Genome position (GRCh38, 1-based): chr2:189,003,008, A>T. VCF-style: chr2-189003008-A-T. GRCh37 (hg19) VCF-style: chr2-189867734-A-T.
Other names: short protein forms K833N.
Identifiers: ClinVar variation 924793 (VCV000924793.5), dbSNP rs1688501435, ClinGen allele CA349842806.

ClinVar aggregate classification (germline): Uncertain significance (1 of 4 stars; one submission).

Conditions:
Familial thoracic aortic aneurysm and aortic dissection (TAAD). Also called: Thoracic aortic aneurysms and dissections. Identifiers: Orphanet 91387, MedGen C4707243, MONDO:0019625.

Submission:

Color Diagnostics, LLC DBA Color Health
Classification: Uncertain significance for Familial thoracic aortic aneurysm and aortic dissection. Last evaluated: 2023-12-05. Review status: criteria provided, single submitter. Criteria: ACMG Guidelines, 2015. Collection method: clinical testing. Allele origin: germline.
Comment: This missense variant replaces lysine with asparagine at codon 833 of the COL3A1 protein. Computational prediction tools and conservation analyses suggest that this variant may have deleterious impact on the protein function. Computational splicing tools suggest that this variant may not impact RNA splicing. To our knowledge, functional assays have not been performed for this variant nor has this variant been reported in individuals affected with cardiovascular disorders in the literature. This variant has not been identified in the general population by the Genome Aggregation Database (gnomAD). Available evidence is insufficient to determine the role of this variant in disease conclusively. Therefore, this variant is classified as a Variant of Uncertain Significance.